The following is an entry in ClinVar:

NM_007315.4(STAT1):c.895_897del (p.Gln299del)

Gene: STAT1 (signal transducer and activator of transcription 1; minus strand). Cytogenetic location: 2q32.2.
Variant type: Deletion.
Coding change: c.895_897del on transcript NM_007315.4 (MANE Select); coding-DNA positions 895 to 897, 3 bases deleted (CAA; older notation c.895_897delCAA).
Protein change: p.Gln299del; deletes glutamine 299.
Molecular consequence: inframe deletion. On other transcripts: intron variant (1).
Genome position (GRCh38, 1-based): chr2:190,995,108-190,995,110, TTG deleted on the plus strand (CAA on the coding strand, the reverse complement: STAT1 is on the minus strand); deleting any 3 consecutive bases within chr2:190,995,108-190,995,112 gives the same sequence; the c. name uses the placement nearest the transcript's 3' end. VCF-style (leftmost placement, unchanged base first): chr2-190995107-CTTG-C. GRCh37 (hg19) VCF-style: chr2-191859833-CTTG-C.
Other names: c.895_897del, p.Gln299del (NM_001384880.1, NM_001384882.1, NM_001384886.1 and 5 more transcripts); c.901_903del, p.Gln301del (NM_001384881.1, NM_001384884.1); c.796_798del, p.Gln266del (NM_001384883.1); c.805_807del, p.Gln269del (NM_001384890.1); c.931_933del, p.Gln311del (NM_001384891.1); c.785+2746_785+2748del (NM_001384885.1); short protein forms Q266del, Q269del, Q299del, Q301del, Q311del.
Identifiers: ClinVar variation 4856284 (VCV004856284.1).
Genomic context (GRCh38, chr2:190,995,107, plus strand): 5'-GTCCCTTGAGTTACCTCTGAATGAGCTGCTGGAAAAGACTGAAGGTGCGGTCCCATAACA[CTTG>C]TTTGTTTTTTGTGATAGGGTCATGTTCGTAGGTGTATTTCTGTTCCAATTCCTCCAACTT-3'

ClinVar aggregate classification (germline): Uncertain significance (1 of 4 stars; one submission).

Conditions:
STAT1-related disorder. Also called: STAT1-related condition.

Submission:

3billion
Classification: Uncertain significance for STAT1-related disorder. Last evaluated: 2026-01-20. Review status: criteria provided, single submitter. Criteria: ACMG Guidelines, 2015. Collection method: clinical testing. Allele origin: germline. Affected: yes.
Comment: The variant is not observed in the gnomAD v4.1.0 dataset. Predicted Consequence/Location: Inframe deletion located in a nonrepeat region: predicted to change the length of the protein and disrupt normal protein function. Therefore, this variant is classified as VUS according to the recommendation of ACMG/AMP guideline.